The following is an entry in ClinVar:

NM_016417.3(GLRX5):c.240C>T (p.His80=)

Gene: GLRX5 (glutaredoxin 5; plus strand). Cytogenetic location: 14q32.13.
Variant type: single nucleotide variant.
Coding change: c.240C>T on transcript NM_016417.3 (MANE Select); coding-DNA position 240, C replaced by T.
Protein change: p.His80=; no amino-acid change (histidine 80 retained).
Molecular consequence: synonymous variant.
Genome position (GRCh38, 1-based): chr14:95,535,329, C>T. VCF-style: chr14-95535329-C-T. GRCh37 (hg19) VCF-style: chr14-96001666-C-T.
Identifiers: ClinVar variation 382969 (VCV000382969.13), dbSNP rs28611006, ClinGen allele CA7333900.

ClinVar aggregate classification (germline): Benign. Review status: criteria provided, multiple submitters, no conflicts (2 of 4 stars). 3 submissions from 3 submitters: Benign (3). Last evaluated 2026-01-28.

Allele frequency attached by ClinVar (database versions not stated): gnomAD exomes 0.00099 and 0.00255; ExAC 0.00699; 1000 Genomes Project 30x 0.00921; 1000 Genomes Project 0.00958; gnomAD 0.01033 and 0.01125; ESP Exome Variant Server 0.01104; TOPMed 0.01151.
gnomAD v4.1: 3,002 of 1,554,402 alleles (0.19%); highest among the groups gnomAD compares: African/African-American, 3.7%; 56 homozygotes.

Submissions (3):

Labcorp Genetics (formerly Invitae), Labcorp
Classification: Benign. Last evaluated: 2026-01-28. Review status: criteria provided, single submitter. Criteria: Invitae Variant Classification Sherloc (09022015). Collection method: clinical testing. Allele origin: germline.

GeneDx
Classification: Benign. Last evaluated: 2016-03-09. Review status: criteria provided, single submitter. Criteria: GeneDx Variant Classification (06012015). Collection method: clinical testing. Allele origin: germline. Affected: yes.
Comment: This variant is considered likely benign or benign based on one or more of the following criteria: it is a conservative change, it occurs at a poorly conserved position in the protein, it is predicted to be benign by multiple in silico algorithms, and/or has population frequency not consistent with disease.

Breakthrough Genomics
Classification: Benign. Review status: criteria provided, single submitter. Criteria: ACMG Guidelines, 2015. Collection method: not provided. Allele origin: germline. Inheritance: Autosomal recessive inheritance. Affected: yes.